The following is an entry in ClinVar:

ClinVar aggregate classification (germline): Likely benign (1 of 4 stars; one submission).

Conditions:
PCK1-related disorder. Also called: PCK1-related condition.

Submission:

PreventionGenetics, part of Exact Sciences
Classification: Likely benign for PCK1-related condition. Last evaluated: 2026-06-30. Review status: criteria provided, single submitter. Criteria: ACMG Guidelines, 2015. Collection method: clinical testing. Allele origin: germline.
Comment: This variant is classified as likely benign based on ACMG/AMP sequence variant interpretation guidelines (Richards et al. 2015 PMID: 25741868, with internal and published modifications).

NM_002591.4(PCK1):c.870G>A (p.Lys290=)

Gene: PCK1 (phosphoenolpyruvate carboxykinase 1; plus strand). Cytogenetic location: 20q13.31.
Variant type: single nucleotide variant.
Coding change: c.870G>A on transcript NM_002591.4 (MANE Select); coding-DNA position 870, G replaced by A.
Protein change: p.Lys290=; no amino-acid change (lysine 290 retained).
Molecular consequence: synonymous variant.
Genome position (GRCh38, 1-based): chr20:57,563,636, G>A. VCF-style: chr20-57563636-G-A. GRCh37 (hg19) VCF-style: chr20-56138692-G-A.
Identifiers: ClinVar variation 4985161 (VCV004985161.1).
Genomic context (GRCh38, chr20:57,563,636, plus strand): 5'-AACCAACCCTGAGGGTGAGAAGAAGTACCTGGCGGCCGCATTTCCCAGCGCCTGCGGGAA[G>A]ACCAACCTGGCCATGATGAACCCCAGCCTCCCCGGGTGGAAGGTTGAGTGCGTCGGGGAT-3'
Protein context (NP_002582.3, residues 280-300): LAAAFPSACG[Lys290=]TNLAMMNPSL